The following is an entry in ClinVar:

NM_152383.5(DIS3L2):c.1096G>T (p.Glu366Ter)

Gene: DIS3L2 (DIS3 like 3'-5' exoribonuclease 2; plus strand). Cytogenetic location: 2q37.1.
Variant type: single nucleotide variant.
Coding change: c.1096G>T on transcript NM_152383.5 (MANE Select); coding-DNA position 1096, G replaced by T.
Protein change: p.Glu366Ter; replaces glutamic acid 366 with a stop codon.
Molecular consequence: nonsense. On other transcripts: non-coding transcript variant (2).
Genome position (GRCh38, 1-based): chr2:232,163,604, G>T. VCF-style: chr2-232163604-G-T. GRCh37 (hg19) VCF-style: chr2-233028314-G-T.
Other names: c.1096G>T, p.Glu366Ter (NM_001257281.2); short protein forms E366*.
Identifiers: ClinVar variation 844346 (VCV000844346.9), dbSNP rs760123810, ClinGen allele CA351154467.

ClinVar aggregate classification (germline): Pathogenic/Likely pathogenic. Review status: criteria provided, multiple submitters, no conflicts (2 of 4 stars). 2 submissions from 2 submitters: Pathogenic (1); Likely pathogenic (1). Last evaluated 2024-07-24.

Conditions:
Perlman syndrome (PRLMNS). Identifiers: Orphanet 2849, MedGen C0796113, MONDO:0009965, OMIM 267000.

Allele frequency attached by ClinVar (database versions not stated): gnomAD 0.00001; TOPMed 0.00001.
gnomAD v4.1: 7 of 1,613,752 alleles (0.00043%); highest among the groups gnomAD compares: Non-Finnish European, 0.00059%; no homozygotes.

Submissions (2):

Labcorp Genetics (formerly Invitae), Labcorp
Classification: Pathogenic for Perlman syndrome. Last evaluated: 2024-07-24. Review status: criteria provided, single submitter. Criteria: Invitae Variant Classification Sherloc (09022015). Collection method: clinical testing. Allele origin: germline.
Comment: This sequence change creates a premature translational stop signal (p.Glu366*) in the DIS3L2 gene. It is expected to result in an absent or disrupted protein product. Loss-of-function variants in DIS3L2 are known to be pathogenic (PMID: 22306653, 28328139). This variant is present in population databases (no rsID available, gnomAD 0.0009%). This variant has not been reported in the literature in individuals affected with DIS3L2-related conditions. ClinVar contains an entry for this variant (Variation ID: 844346). For these reasons, this variant has been classified as Pathogenic.

Baylor Genetics
Classification: Likely pathogenic for Perlman syndrome. Last evaluated: 2024-01-30. Review status: criteria provided, single submitter. Criteria: ACMG Guidelines, 2015. Collection method: clinical testing. Allele origin: unknown.

Literature cited by the submitters: PubMed 22306653 (cited by Labcorp Genetics (formerly Invitae), Labcorp); PubMed 28328139 (cited by Labcorp Genetics (formerly Invitae), Labcorp).